The following is an entry in ClinVar:

NM_000180.4(GUCY2D):c.3221C>G (p.Pro1074Arg)

Gene: GUCY2D (guanylate cyclase 2D, retinal; plus strand). Cytogenetic location: 17p13.1.
Variant type: single nucleotide variant.
Coding change: c.3221C>G on transcript NM_000180.4 (MANE Select); coding-DNA position 3221, C replaced by G.
Protein change: p.Pro1074Arg; replaces proline 1074 with arginine.
Molecular consequence: missense variant.
Genome position (GRCh38, 1-based): chr17:8,016,287, C>G. VCF-style: chr17-8016287-C-G. GRCh37 (hg19) VCF-style: chr17-7919605-C-G.
Other names: short protein forms P1074R.
Identifiers: ClinVar variation 3600736 (VCV003600736.1).

ClinVar aggregate classification (germline): Uncertain significance (1 of 4 stars; one submission).

gnomAD v4.1: 2 of 1,565,074 alleles (0.00013%); highest among the groups gnomAD compares: South Asian, 0.0012%; no homozygotes.

Submission:

GeneDx
Classification: Uncertain significance. Last evaluated: 2024-07-23. Review status: criteria provided, single submitter. Criteria: GeneDx Variant Classification Process June 2021. Collection method: clinical testing. Allele origin: germline. Affected: yes.
Comment: Not observed at significant frequency in large population cohorts (gnomAD); In silico analysis supports that this missense variant has a deleterious effect on protein structure/function; Has not been previously published as pathogenic or benign to our knowledge